The following is an entry in ClinVar:

NM_000254.3(MTR):c.609+10G>A

Gene: MTR (5-methyltetrahydrofolate-homocysteine methyltransferase; plus strand). Cytogenetic location: 1q43.
Variant type: single nucleotide variant.
Coding change: c.609+10G>A on transcript NM_000254.3 (MANE Select); 10 bases into the intron after coding-DNA position 609, G replaced by A.
Molecular consequence: intron variant.
Genome position (GRCh38, 1-based): chr1:236,812,854, G>A. VCF-style: chr1-236812854-G-A. GRCh37 (hg19) VCF-style: chr1-236976154-G-A.
Other names: c.609+10G>A (NM_001291939.1); c.-500+10G>A (NM_001291940.2).
Identifiers: ClinVar variation 389742 (VCV000389742.1), dbSNP rs956538334, ClinGen allele CA16603615.

ClinVar aggregate classification (germline): Likely benign (1 of 4 stars; one submission).

Allele frequency attached by ClinVar (database versions not stated): gnomAD exomes below 0.00001; TOPMed 0.00001.
gnomAD v4.1: 1 of 1,611,606 alleles (0.000062%); highest among the groups gnomAD compares: Non-Finnish European, 0.000085%; no homozygotes.

Submission:

GeneDx
Classification: Likely benign. Last evaluated: 2016-10-14. Review status: criteria provided, single submitter. Criteria: GeneDx Variant Classification (06012015). Collection method: clinical testing. Allele origin: germline. Affected: yes.
Comment: This variant is considered likely benign or benign based on one or more of the following criteria: it is a conservative change, it occurs at a poorly conserved position in the protein, it is predicted to be benign by multiple in silico algorithms, and/or has population frequency not consistent with disease.